The following is an entry in ClinVar:

NM_006231.4(POLE):c.5366_5367del (p.Cys1788_Ser1789insTer)

Gene: POLE (DNA polymerase epsilon, catalytic subunit; minus strand). Cytogenetic location: 12q24.33.
Variant type: Microsatellite.
Coding change: c.5366_5367del on transcript NM_006231.4 (MANE Select); coding-DNA positions 5366 to 5367, 2 bases deleted (CT; older notation c.5366_5367delCT).
Protein change: p.Cys1788_Ser1789insTer.
Molecular consequence: nonsense.
Genome position (GRCh38, 1-based): chr12:132,641,658-132,641,659, AG deleted on the plus strand (CT on the coding strand, the reverse complement: POLE is on the minus strand); deleting any 2 consecutive bases within chr12:132,641,658-132,641,661 gives the same sequence; the c. name uses the placement nearest the transcript's 3' end. VCF-style (leftmost placement, unchanged base first): chr12-132641657-TAG-T. GRCh37 (hg19) VCF-style: chr12-133218243-TAG-T.
Identifiers: ClinVar variation 854331 (VCV000854331.9), dbSNP rs2042144091, ClinGen allele CA916082374.

ClinVar aggregate classification (germline): Pathogenic (1 of 4 stars; one submission).

Submission:

Labcorp Genetics (formerly Invitae), Labcorp
Classification: Pathogenic. Last evaluated: 2022-05-12. Review status: criteria provided, single submitter. Criteria: Invitae Variant Classification Sherloc (09022015). Collection method: clinical testing. Allele origin: germline.
Comment: This variant is not present in population databases (gnomAD no frequency). ClinVar contains an entry for this variant (Variation ID: 854331). This variant has not been reported in the literature in individuals affected with POLE-related conditions. This sequence change creates a premature translational stop signal (p.Ser1789*) in the POLE gene. It is expected to result in an absent or disrupted protein product. Loss-of-function variants in POLE are known to be pathogenic (PMID: 23230001, 25948378, 30503519). For these reasons, this variant has been classified as Pathogenic.

Literature cited by the submitters: PubMed 23230001; PubMed 25948378; PubMed 30503519.